The following is an entry in ClinVar:

NM_004168.4(SDHA):c.1723G>A (p.Ala575Thr)

Gene: SDHA (succinate dehydrogenase complex flavoprotein subunit A; plus strand). Cytogenetic location: 5p15.33.
Variant type: single nucleotide variant.
Coding change: c.1723G>A on transcript NM_004168.4 (MANE Select); coding-DNA position 1723, G replaced by A.
Protein change: p.Ala575Thr; replaces alanine 575 with threonine.
Molecular consequence: missense variant. On other transcripts: intron variant (1).
Genome position (GRCh38, 1-based): chr5:251,397, G>A. VCF-style: chr5-251397-G-A. GRCh37 (hg19) VCF-style: chr5-251512-G-A.
Other names: c.1579G>A, p.Ala527Thr (NM_001294332.2); c.1552-2996G>A (NM_001330758.2); short protein forms A575T, A527T.
Identifiers: ClinVar variation 581458 (VCV000581458.9), dbSNP rs1301370839, ClinGen allele CA359000120.

ClinVar aggregate classification (germline): Uncertain significance (1 of 4 stars; one submission).

Conditions:
Mitochondrial complex II deficiency, nuclear type 1. Also called: SUCCINATE CoQ REDUCTASE DEFICIENCY. Identifiers: Orphanet 3208, MedGen C5700310, MONDO:0100294, OMIM 252011.
Pheochromocytoma/paraganglioma syndrome 5. Also called: Paragangliomas 5; SDHA-Related Hereditary Paraganglioma-Pheochromocytoma Syndrome. Identifiers: Orphanet 29072, MedGen C3279992, MONDO:0013602, OMIM 614165.

Allele frequency attached by ClinVar (database versions not stated): gnomAD exomes below 0.00001.
gnomAD v4.1: 1 of 1,613,916 alleles (0.000062%); highest among the groups gnomAD compares: Non-Finnish European, 0.000085%; no homozygotes.

Submission:

Labcorp Genetics (formerly Invitae), Labcorp
Classification: Uncertain significance for Pheochromocytoma/paraganglioma syndrome 5; Mitochondrial complex II deficiency, nuclear type 1. Last evaluated: 2018-06-03. Review status: criteria provided, single submitter. Criteria: Invitae Variant Classification Sherloc (09022015). Collection method: clinical testing. Allele origin: germline.
Comment: This sequence change replaces alanine with threonine at codon 575 of the SDHA protein (p.Ala575Thr). The alanine residue is highly conserved and there is a small physicochemical difference between alanine and threonine. This variant is not present in population databases (ExAC no frequency). This variant has not been reported in the literature in individuals with SDHA-related disease. Algorithms developed to predict the effect of missense changes on protein structure and function (SIFT, PolyPhen-2, Align-GVGD) all suggest that this variant is likely to be disruptive, but these predictions have not been confirmed by published functional studies and their clinical significance is uncertain. In summary, the available evidence is currently insufficient to determine the role of this variant in disease. Therefore, it has been classified as a Variant of Uncertain Significance.